The following is an entry in ClinVar:

ClinVar aggregate classification (germline): Pathogenic (1 of 4 stars; one submission).

Conditions:
Hereditary cancer-predisposing syndrome. Also called: Tumor predisposition; Neoplastic Syndromes, Hereditary; Hereditary Cancer Syndrome; Hereditary neoplastic syndrome. Identifiers: Orphanet 140162, MedGen C0027672, MeSH D009386, MONDO:0015356.

Submission:

Ambry Genetics
Classification: Pathogenic for Hereditary cancer-predisposing syndrome. Last evaluated: 2024-11-25. Review status: criteria provided, single submitter. Criteria: Ambry Variant Classification Scheme 2023. Collection method: clinical testing. Allele origin: germline.
Comment: The p.E1600* pathogenic mutation (also known as c.4798G>T), located in coding exon 22 of the DICER1 gene, results from a G to T substitution at nucleotide position 4798. This changes the amino acid from a glutamic acid to a stop codon within coding exon 22. This variant is considered to be rare based on population cohorts in the Genome Aggregation Database (gnomAD). This alteration is expected to result in loss of function by premature protein truncation or nonsense-mediated mRNA decay. As such, this alteration is interpreted as a disease-causing mutation.

NM_177438.3(DICER1):c.4798G>T (p.Glu1600Ter)

Gene: DICER1 (dicer 1, ribonuclease III; minus strand). Cytogenetic location: 14q32.13.
Variant type: single nucleotide variant.
Coding change: c.4798G>T on transcript NM_177438.3 (MANE Select); coding-DNA position 4798, G replaced by T.
Protein change: p.Glu1600Ter; replaces glutamic acid 1600 with a stop codon.
Molecular consequence: nonsense. On other transcripts: non-coding transcript variant (6).
Genome position (GRCh38, 1-based): chr14:95,096,122, C>A on the plus strand (G>T on the coding strand, the complement: DICER1 is on the minus strand). VCF-style: chr14-95096122-C-A. GRCh37 (hg19) VCF-style: chr14-95562459-C-A.
Other names: c.4798G>T, p.Glu1600Ter (NM_001195573.1, NM_001271282.3, NM_001291628.2 and 12 more transcripts); c.4516G>T, p.Glu1506Ter (NM_001395686.1); c.4393G>T, p.Glu1465Ter (NM_001395687.1, NM_001395688.1, NM_001395689.1 and 2 more transcripts); c.4231G>T, p.Glu1411Ter (NM_001395691.1); c.3115G>T, p.Glu1039Ter (NM_001395697.1); short protein forms E1411*, E1465*, E1600*, E1039*, E1506*.
Identifiers: ClinVar variation 3501954 (VCV003501954.1).